The following is an entry in ClinVar:

NM_001286577.2(C2CD3):c.5082G>T (p.Gln1694His)

Gene: C2CD3 (C2 domain containing 3 centriole elongation regulator; minus strand). Cytogenetic location: 11q13.4.
Variant type: single nucleotide variant.
Coding change: c.5082G>T on transcript NM_001286577.2 (MANE Select); coding-DNA position 5082, G replaced by T.
Protein change: p.Gln1694His; replaces glutamine 1694 with histidine.
Molecular consequence: missense variant.
Genome position (GRCh38, 1-based): chr11:74,057,414, C>A on the plus strand (G>T on the coding strand, the complement: C2CD3 is on the minus strand). VCF-style: chr11-74057414-C-A. GRCh37 (hg19) VCF-style: chr11-73768459-C-A.
Other names: c.5082G>T, p.Gln1694His (NM_015531.6); short protein forms Q1694H.
Identifiers: ClinVar variation 781693 (VCV000781693.36), dbSNP rs142214951, ClinGen allele CA6181999.

ClinVar aggregate classification (germline): Likely benign. Review status: criteria provided, multiple submitters, no conflicts (2 of 4 stars). 5 submissions from 5 submitters: Likely benign (3). 2 of the submissions do not count toward it. Last evaluated 2026-01-19.

Allele frequency attached by ClinVar (database versions not stated): 1000 Genomes Project 0.00080; ESP Exome Variant Server 0.00424; gnomAD 0.00372 and 0.00391; TOPMed 0.00403; 1000 Genomes Project 30x 0.00094; ExAC 0.00315; gnomAD exomes 0.00317.
gnomAD v4.1: 8,047 of 1,614,156 alleles (0.5%); highest among the groups gnomAD compares: Non-Finnish European, 0.62%; 39 homozygotes.

Submissions (5):

Labcorp Genetics (formerly Invitae), Labcorp
Classification: Likely benign. Last evaluated: 2026-01-19. Review status: criteria provided, single submitter. Criteria: Invitae Variant Classification Sherloc (09022015). Collection method: clinical testing. Allele origin: germline.

CeGaT Center for Human Genetics Tuebingen
Classification: Likely benign. Last evaluated: 2022-08-01. Review status: criteria provided, single submitter. Criteria: CeGaT Center For Human Genetics Tuebingen Variant Classification Criteria Version 2. Collection method: clinical testing. Allele origin: germline. Affected: yes. Observed: 2 variant alleles.
Comment: C2CD3: BP4

Breakthrough Genomics
Classification: Likely benign. Review status: criteria provided, single submitter. Criteria: ACMG Guidelines, 2015. Collection method: not provided. Allele origin: germline. Inheritance: Autosomal recessive inheritance. Affected: yes.

Clinical Genetics DNA and cytogenetics Diagnostics Lab, Erasmus MC, Erasmus Medical Center
Classification: Likely benign. Review status: no assertion criteria provided. Collection method: clinical testing. Allele origin: germline. Affected: yes. Study: VKGL Data-share Consensus. Not counted in ClinVar's aggregate classification.

Genome Diagnostics Laboratory, University Medical Center Utrecht
Classification: Likely benign. Review status: no assertion criteria provided. Collection method: clinical testing. Allele origin: germline. Affected: yes. Study: VKGL Data-share Consensus. Not counted in ClinVar's aggregate classification.